The following is an entry in ClinVar:

NM_001818.5(AKR1C4):c.448-5C>T

Gene: AKR1C4 (aldo-keto reductase family 1 member C4; plus strand). Cytogenetic location: 10p15.1.
Variant type: single nucleotide variant.
Coding change: c.448-5C>T on transcript NM_001818.5 (MANE Select); 5 bases into the intron before coding-DNA position 448, C replaced by T.
Molecular consequence: intron variant.
Genome position (GRCh38, 1-based): chr10:5,206,270, C>T. VCF-style: chr10-5206270-C-T. GRCh37 (hg19) VCF-style: chr10-5248233-C-T.
Other names: c.448-5C>T (NM_001818.3).
Identifiers: ClinVar variation 2896435 (VCV002896435.4), dbSNP rs782564763, ClinGen allele CA5391465.

ClinVar aggregate classification (germline): Likely benign. Review status: criteria provided, single submitter (1 of 4 stars). 2 submissions from 2 submitters: Likely benign (1). 1 of the submissions does not count toward it. Last evaluated 2024-01-22.

Conditions:
AKR1C4-related disorder. Also called: AKR1C4-related condition.

Allele frequency attached by ClinVar (database versions not stated): TOPMed 0.00001; gnomAD exomes 0.00004; ExAC 0.00009.
gnomAD v4.1: 59 of 1,613,974 alleles (0.0037%); highest among the groups gnomAD compares: South Asian, 0.059%; 2 homozygotes.

Submissions (2):

Labcorp Genetics (formerly Invitae), Labcorp
Classification: Likely benign. Last evaluated: 2024-01-22. Review status: criteria provided, single submitter. Criteria: Invitae Variant Classification Sherloc (09022015). Collection method: clinical testing. Allele origin: germline.

PreventionGenetics, part of Exact Sciences
Classification: Likely benign for AKR1C4-related condition. Last evaluated: 2024-09-23. Review status: no assertion criteria provided. Collection method: clinical testing. Allele origin: germline. Not counted in ClinVar's aggregate classification.
Comment: This variant is classified as likely benign based on ACMG/AMP sequence variant interpretation guidelines (Richards et al. 2015 PMID: 25741868, with internal and published modifications).